The following is an entry in ClinVar:

NM_021954.4(GJA3):c.1070G>A (p.Ser357Asn)

Gene: GJA3 (gap junction protein alpha 3; minus strand). Cytogenetic location: 13q12.11.
Variant type: single nucleotide variant.
Coding change: c.1070G>A on transcript NM_021954.4 (MANE Select); coding-DNA position 1070, G replaced by A.
Protein change: p.Ser357Asn; replaces serine 357 with asparagine.
Molecular consequence: missense variant.
Genome position (GRCh38, 1-based): chr13:20,142,219, C>T on the plus strand (G>A on the coding strand, the complement: GJA3 is on the minus strand). VCF-style: chr13-20142219-C-T. GRCh37 (hg19) VCF-style: chr13-20716358-C-T.
Other names: short protein forms S357N.
Identifiers: ClinVar variation 1310094 (VCV001310094.2), dbSNP rs1958812232, ClinGen allele CA387462807.

ClinVar aggregate classification (germline): Uncertain significance (1 of 4 stars; one submission).

Submission:

GeneDx
Classification: Uncertain significance. Last evaluated: 2019-11-18. Review status: criteria provided, single submitter. Criteria: GeneDx Variant Classification Process June 2021. Collection method: clinical testing. Allele origin: germline. Affected: yes.
Comment: Not observed in large population cohorts (Lek et al., 2016); In silico analysis, which includes protein predictors and evolutionary conservation, supports that this variant does not alter protein structure/function; Has not been previously published as pathogenic or benign to our knowledge